The following is an entry in ClinVar:

ClinVar aggregate classification (germline): Uncertain significance. Review status: criteria provided, multiple submitters, no conflicts (2 of 4 stars). 2 submissions from 2 submitters: Uncertain significance (2). Last evaluated 2025-03-30.

Conditions:
TRIM32-related disorder. Also called: TRIM32-related condition.

gnomAD v4.1: 16 of 1,613,998 alleles (0.00099%); highest among the groups gnomAD compares: Admixed American, 0.0033%; no homozygotes.

Submissions (2):

PreventionGenetics, part of Exact Sciences
Classification: Uncertain significance for TRIM32-related condition. Last evaluated: 2025-03-30. Review status: criteria provided, single submitter. Criteria: ACMG Guidelines, 2015. Collection method: clinical testing. Allele origin: germline.
Comment: The TRIM32 c.433C>T variant is predicted to result in the amino acid substitution p.Arg145Trp. To our knowledge, this variant has not been reported in the literature. This variant is reported in 0.0058% of alleles in individuals of Latino descent in gnomAD. At this time, the clinical significance of this variant is uncertain due to the absence of conclusive functional and genetic evidence.

Blueprint Genetics
Classification: Uncertain significance. Last evaluated: 2019-12-13. Review status: criteria provided, single submitter. Criteria: ACMG Guidelines, 2015. Collection method: clinical testing. Allele origin: germline.

NM_012210.4(TRIM32):c.433C>T (p.Arg145Trp)

Genes: ASTN2 (astrotactin 2; minus strand), TRIM32 (tripartite motif containing 32; plus strand). Cytogenetic location: 9q33.1.
Variant type: single nucleotide variant.
Coding change: c.433C>T on transcript NM_012210.4 (MANE Select); coding-DNA position 433, C replaced by T.
Protein change: p.Arg145Trp; replaces arginine 145 with tryptophan.
Molecular consequence: missense variant. On other transcripts: intron variant (3).
Genome position (GRCh38, 1-based): chr9:116,698,175, C>T. VCF-style: chr9-116698175-C-T. GRCh37 (hg19) VCF-style: chr9-119460454-C-T.
Other names: c.2806+27596G>A (NM_001365068.1); c.433C>T, p.Arg145Trp (NM_001099679.2, NM_001379048.1, NM_001379049.1 and 1 more transcripts); c.2653+27596G>A (NM_014010.5); c.2794+27596G>A (NM_001365069.1); short protein forms R145W.
Identifiers: ClinVar variation 4904336 (VCV004904336.2).